The following is an entry in ClinVar:

ClinVar aggregate classification (germline): Uncertain significance (1 of 4 stars; one submission).

Conditions:
Encephalopathy, acute, infection-induced (herpes-specific), susceptibility to, 1. Also called: Herpes simplex encephalitis, susceptibility to, 1. Identifiers: Orphanet 1930, MedGen C2750180, MONDO:0024563, OMIM 610551.

Allele frequency attached by ClinVar (database versions not stated): gnomAD 0.00001; ESP Exome Variant Server 0.00008; gnomAD exomes below 0.00001 and 0.00001; ExAC 0.00001.
gnomAD v4.1: 22 of 1,614,084 alleles (0.0014%); highest among the groups gnomAD compares: Non-Finnish European, 0.0018%; no homozygotes.

Submission:

Labcorp Genetics (formerly Invitae), Labcorp
Classification: Uncertain significance for Encephalopathy, acute, infection-induced (herpes-specific), susceptibility to, 1. Last evaluated: 2021-08-02. Review status: criteria provided, single submitter. Criteria: Invitae Variant Classification Sherloc (09022015). Collection method: clinical testing. Allele origin: germline.
Comment: In summary, the available evidence is currently insufficient to determine the role of this variant in disease. Therefore, it has been classified as a Variant of Uncertain Significance. Algorithms developed to predict the effect of missense changes on protein structure and function (SIFT, PolyPhen-2, Align-GVGD) all suggest that this variant is likely to be tolerated. This variant has not been reported in the literature in individuals affected with TLR3-related conditions. This variant is present in population databases (rs377028149, ExAC 0.002%). This sequence change replaces glutamic acid with glycine at codon 434 of the TLR3 protein (p.Glu434Gly). The glutamic acid residue is weakly conserved and there is a moderate physicochemical difference between glutamic acid and glycine.

NM_003265.3(TLR3):c.1301A>G (p.Glu434Gly)

Gene: TLR3 (toll like receptor 3; plus strand). Cytogenetic location: 4q35.1.
Variant type: single nucleotide variant.
Coding change: c.1301A>G on transcript NM_003265.3 (MANE Select); coding-DNA position 1301, A replaced by G.
Protein change: p.Glu434Gly; replaces glutamic acid 434 with glycine.
Molecular consequence: missense variant.
Genome position (GRCh38, 1-based): chr4:186,082,987, A>G. VCF-style: chr4-186082987-A-G. GRCh37 (hg19) VCF-style: chr4-187004141-A-G.
Other names: short protein forms E434G.
Identifiers: ClinVar variation 1392925 (VCV001392925.9), dbSNP rs377028149, ClinGen allele CA3161389.